The following is an entry in ClinVar:

NM_198428.3(BBS9):c.1691C>T (p.Pro564Leu)

Gene: BBS9 (Bardet-Biedl syndrome 9; plus strand). Cytogenetic location: 7p14.3.
Variant type: single nucleotide variant.
Coding change: c.1691C>T on transcript NM_198428.3 (MANE Select); coding-DNA position 1691, C replaced by T.
Protein change: p.Pro564Leu; replaces proline 564 with leucine.
Molecular consequence: missense variant. On other transcripts: non-coding transcript variant (3).
Genome position (GRCh38, 1-based): chr7:33,357,993, C>T. VCF-style: chr7-33357993-C-T. GRCh37 (hg19) VCF-style: chr7-33397605-C-T.
Other names: c.1586C>T, p.Pro529Leu (NM_001033604.2); c.1676C>T, p.Pro559Leu (NM_001033605.2); c.1691C>T, p.Pro564Leu (NM_001348036.1, NM_001348041.4, NM_001348043.3 and 3 more transcripts); c.1325C>T, p.Pro442Leu (NM_001348037.3, NM_001348045.3, NM_001348046.3); c.1418C>T, p.Pro473Leu (NM_001348038.3); c.1313C>T, p.Pro438Leu (NM_001348039.3); c.1571C>T, p.Pro524Leu (NM_001348040.3, NM_014451.4); c.1556C>T, p.Pro519Leu (NM_001348042.3); and 1 more; short protein forms P438L, P473L, P519L, P407L, P564L, P442L, P529L, P524L.
Identifiers: ClinVar variation 1942727 (VCV001942727.2), dbSNP rs2536076603, ClinGen allele CA367252324.

ClinVar aggregate classification (germline): Uncertain significance (1 of 4 stars; one submission).

Conditions:
Bardet-Biedl syndrome (BBS). Identifiers: Orphanet 110, MedGen C0752166, MONDO:0015229.

Submission:

Labcorp Genetics (formerly Invitae), Labcorp
Classification: Uncertain significance for Bardet-Biedl syndrome. Last evaluated: 2022-04-22. Review status: criteria provided, single submitter. Criteria: Invitae Variant Classification Sherloc (09022015). Collection method: clinical testing. Allele origin: germline.
Comment: This sequence change replaces proline, which is neutral and non-polar, with leucine, which is neutral and non-polar, at codon 564 of the BBS9 protein (p.Pro564Leu). This variant is not present in population databases (gnomAD no frequency). This variant has not been reported in the literature in individuals affected with BBS9-related conditions. Algorithms developed to predict the effect of missense changes on protein structure and function are either unavailable or do not agree on the potential impact of this missense change (SIFT: "Deleterious"; PolyPhen-2: "Possibly Damaging"; Align-GVGD: "Class C0"). Algorithms developed to predict the effect of sequence changes on RNA splicing suggest that this variant may disrupt the consensus splice site. In summary, the available evidence is currently insufficient to determine the role of this variant in disease. Therefore, it has been classified as a Variant of Uncertain Significance.